The following is an entry in ClinVar:

ClinVar aggregate classification (germline): Conflicting classifications of pathogenicity. Review status: criteria provided, conflicting classifications (1 of 4 stars). 3 submissions from 3 submitters: Uncertain significance (1); Likely benign (2). Last evaluated 2024-07-02.

Conditions:
Hereditary cancer-predisposing syndrome. Also called: Hereditary neoplastic syndrome; Neoplastic Syndromes, Hereditary; Tumor predisposition; Hereditary Cancer Syndrome. Identifiers: Orphanet 140162, MedGen C0027672, MeSH D009386, MONDO:0015356.

Allele frequency attached by ClinVar (database versions not stated): TOPMed below 0.00001.

Submissions (3):

Quest Diagnostics Nichols Institute San Juan Capistrano
Classification: Uncertain significance. Last evaluated: 2024-07-02. Review status: criteria provided, single submitter. Criteria: Quest Diagnostics criteria. Collection method: clinical testing. Allele origin: unknown.
Comment: The RAD50 c.1623G>A (p.Leu541=) synonymous variant has not been reported in individuals with RAD50-related conditions in the published literature. It also has not been reported in large, multi-ethnic general populations (Genome Aggregation Database). Analysis of this variant using software algorithms for the prediction of the effect of nucleotide changes on splicing yielded predictions that this variant does not affect RAD50 mRNA splicing. Based on the available information, we are unable to determine the clinical significance of this variant.

Labcorp Genetics (formerly Invitae), Labcorp
Classification: Likely benign for Hereditary cancer-predisposing syndrome. Last evaluated: 2023-05-01. Review status: criteria provided, single submitter. Criteria: Invitae Variant Classification Sherloc (09022015). Collection method: clinical testing. Allele origin: germline.

Ambry Genetics
Classification: Likely benign for Hereditary cancer-predisposing syndrome. Last evaluated: 2014-07-22. Review status: criteria provided, single submitter. Criteria: Ambry Variant Classification Scheme 2023. Collection method: clinical testing. Allele origin: germline.

NM_005732.4(RAD50):c.1623G>A (p.Leu541=)

Gene: RAD50 (RAD50 double strand break repair protein; plus strand). Cytogenetic location: 5q31.1.
Variant type: single nucleotide variant.
Coding change: c.1623G>A on transcript NM_005732.4 (MANE Select); coding-DNA position 1623, G replaced by A.
Protein change: p.Leu541=; no amino-acid change (leucine 541 retained).
Molecular consequence: synonymous variant.
Genome position (GRCh38, 1-based): chr5:132,591,394, G>A. VCF-style: chr5-132591394-G-A. GRCh37 (hg19) VCF-style: chr5-131927086-G-A.
Identifiers: ClinVar variation 185655 (VCV000185655.17), dbSNP rs786202347, ClinGen allele CA192542.
Genomic context (GRCh38, chr5:132,591,394, plus strand): 5'-TGACCAGGAGATGGAGCAGTTAAACCATCATACAACAACACGTACCCAAATGGAGATGCT[G>A]ACCAAAGACAAAGTATGATTTTTCTTTTTGTTCTAATTATACTGTCTGGTACTTAAAATA-3'
Protein context (NP_005723.2, residues 531-551): HTTTRTQMEM[Leu541=]TKDKADKDEQ